The following is an entry in ClinVar:

ClinVar aggregate classification (germline): Pathogenic (1 of 4 stars; one submission).

Conditions:
Deafness-lymphedema-leukemia syndrome. Also called: Emberger syndrome; Lymphedema, primary, with myelodysplasia. Identifiers: Orphanet 3226, MedGen C3279664, MONDO:0013540, OMIM 614038.
GATA2 deficiency with susceptibility to MDS/AML. Identifiers: MedGen CN300066, MONDO:0042982.

Submission:

Molecular Pathology Research Laboratory, SA Pathology
Classification: Pathogenic for GATA2 deficiency with susceptibility to MDS/AML; Deafness-lymphedema-leukemia syndrome. Last evaluated: 2021-07-06. Review status: criteria provided, single submitter. Criteria: ACMG Guidelines, 2015. Collection method: curation. Allele origin: unknown. Inheritance: Autosomal dominant inheritance. Affected: yes. Observed: 1 variant allele.
Comment: PVS1, PS4_Supporting, PM2

Literature cited by the submitters: PubMed 29724903.

NM_032638.5(GATA2):c.1023dup (p.Ala342fs)

Gene: GATA2 (GATA binding protein 2; minus strand). Cytogenetic location: 3q21.3.
Variant type: Duplication.
Coding change: c.1023dup on transcript NM_032638.5 (MANE Select); coding-DNA position 1023, one base duplicated (C; older notation c.1023dupC).
Protein change: p.Ala342fs; shifts the reading frame from alanine 342.
Molecular consequence: frameshift variant. On other transcripts: intron variant (1).
Genome position (GRCh38, 1-based): chr3:128,481,939, G duplicated on the plus strand (C on the coding strand, the reverse complement: GATA2 is on the minus strand); the first of 2 consecutive G bases (chr3:128,481,939-128,481,940); duplicating either gives the same sequence. VCF-style (leftmost placement, unchanged base first): chr3-128481938-C-CG. GRCh37 (hg19) VCF-style: chr3-128200781-C-CG.
Other names: c.1023dup, p.Ala342fs (NM_001145661.2); c.1018-38dup (NM_001145662.1); short protein forms A342fs.
Identifiers: ClinVar variation 1184189 (VCV001184189.1), dbSNP rs2107668848, ClinGen allele CA2499216453.